The following is an entry in ClinVar:

ClinVar aggregate classification (germline): Uncertain significance. Review status: criteria provided, single submitter (1 of 4 stars). 2 submissions from 2 submitters: Uncertain significance (1). 1 of the submissions does not count toward it. Last evaluated 2022-10-25.

Conditions:
JMJD1C-related disorder. Also called: JMJD1C-related condition.
Early Myoclonic Encephalopathy. Identifiers: MedGen C0270855.

Allele frequency attached by ClinVar (database versions not stated): gnomAD exomes below 0.00001.
gnomAD v4.1: 1 of 1,602,976 alleles (0.000062%); highest among the groups gnomAD compares: Admixed American, 0.0017%; no homozygotes.

Submissions (2):

Labcorp Genetics (formerly Invitae), Labcorp
Classification: Uncertain significance for Early Myoclonic Encephalopathy. Last evaluated: 2022-10-25. Review status: criteria provided, single submitter. Criteria: Invitae Variant Classification Sherloc (09022015). Collection method: clinical testing. Allele origin: germline.
Comment: In summary, the available evidence is currently insufficient to determine the role of this variant in disease. Therefore, it has been classified as a Variant of Uncertain Significance. Algorithms developed to predict the effect of missense changes on protein structure and function are either unavailable or do not agree on the potential impact of this missense change (SIFT: "Deleterious"; PolyPhen-2: "Probably Damaging"; Align-GVGD: "Class C0"). This variant has not been reported in the literature in individuals affected with JMJD1C-related conditions. The frequency data for this variant in the population databases is considered unreliable, as metrics indicate poor data quality at this position in the gnomAD database. This sequence change replaces leucine, which is neutral and non-polar, with methionine, which is neutral and non-polar, at codon 55 of the JMJD1C protein (p.Leu55Met).

PreventionGenetics, part of Exact Sciences
Classification: Uncertain significance for JMJD1C-related condition. Last evaluated: 2024-06-06. Review status: no assertion criteria provided. Collection method: clinical testing. Allele origin: germline. Not counted in ClinVar's aggregate classification.
Comment: The JMJD1C c.163C>A variant is predicted to result in the amino acid substitution p.Leu55Met. To our knowledge, this variant has not been reported in the literature. This variant is reported in 0.0030% of alleles in individuals of Latino descent in gnomAD. At this time, the clinical significance of this variant is uncertain due to the absence of conclusive functional and genetic evidence.

NM_032776.3(JMJD1C):c.163C>A (p.Leu55Met)

Genes: JMJD1C (jumonji domain containing 1C; minus strand), JMJD1C-AS1 (JMJD1C antisense RNA 1; plus strand). Cytogenetic location: 10q21.3.
Variant type: single nucleotide variant.
Coding change: c.163C>A on transcript NM_032776.3 (MANE Select); coding-DNA position 163, C replaced by A.
Protein change: p.Leu55Met; replaces leucine 55 with methionine.
Molecular consequence: missense variant. On other transcripts: non-coding transcript variant (1), intron variant (2).
Genome position (GRCh38, 1-based): chr10:63,465,500, G>T on the plus strand (C>A on the coding strand, the complement: JMJD1C is on the minus strand). VCF-style: chr10-63465500-G-T. GRCh37 (hg19) VCF-style: chr10-65225260-G-T.
Other names: c.163C>A (NM_032776.2); c.163C>A, p.Leu55Met (NM_001322252.2); c.-384+56238C>A (NM_001322258.2); c.-379+56238C>A (NM_001318154.2); short protein forms L55M.
Identifiers: ClinVar variation 2060017 (VCV002060017.5), dbSNP rs1183954793, ClinGen allele CA377088154.
Genomic context (GRCh38, chr10:63,465,500, plus strand): 5'-TGCGAGAGCCGGGTGCGGGCGCGGCAGGGGAAAAGGGGGGCGCTGACTCTCTTACCGCCA[G>T]GTCCGGATTGCGGCTGTCCCTGTGTGACACGGCTCGGATGACCCCCGCTCGCCAGCTTCG-3'
Protein context (NP_116165.1, residues 45-65): VSHRDSRNPD[Leu55Met]AVYVEFDDLE